The following is an entry in ClinVar:

NM_001110556.2(FLNA):c.463T>G (p.Trp155Gly)

Gene: FLNA (filamin A; minus strand). Cytogenetic location: Xq28.
Variant type: single nucleotide variant.
Coding change: c.463T>G on transcript NM_001110556.2 (MANE Select); coding-DNA position 463, T replaced by G.
Protein change: p.Trp155Gly; replaces tryptophan 155 with glycine.
Molecular consequence: missense variant.
Genome position (GRCh38, 1-based): chrX:154,368,001, A>C on the plus strand (T>G on the coding strand, the complement: FLNA is on the minus strand). VCF-style: chrX-154368001-A-C. GRCh37 (hg19) VCF-style: chrX-153596369-A-C.
Other names: c.463T>G, p.Trp155Gly (NM_001456.4); short protein forms W155G.
Identifiers: ClinVar variation 1348460 (VCV001348460.6), dbSNP rs2148119440, ClinGen allele CA415250400.
Genomic context (GRCh38, chrX:154,368,001, plus strand): 5'-AGCCCAGGAGCCTCTGCTTGGGGGTCTGCTTCTTGGCCTCCTCATCCTCCTCCTCGTCCC[A>C]CATGGGCATGGAGATGGAGTAGTGCAGGATCAGGGTCCAGATGAGGCCCAGGATCAGCTT-3'
Protein context (NP_001104026.1, residues 145-165): ILHYSISMPM[Trp155Gly]DEEEDEEAKK

ClinVar aggregate classification (germline): Uncertain significance (1 of 4 stars; one submission).

Conditions:
Heterotopia, periventricular, X-linked dominant (PVNH1). Also called: PERIVENTRICULAR NODULAR HETEROTOPIA 1; X-linked periventricular heterotopia; PERIVENTRICULAR NODULAR HETEROTOPIA 4; HETEROTOPIA, PERIVENTRICULAR, 1. Identifiers: Orphanet 2149, Orphanet 82004, MedGen C1848213, MONDO:0010233, OMIM 300049.
Oto-palato-digital syndrome, type II (OPD2). Also called: OPD II SYNDROME; Otopalatodigital Syndrome, Type II; Otopalatodigital Syndrome Type 2 (FLNA-OPD2); FACIOPALATOOSSEOUS SYNDROME. Identifiers: Orphanet 669, Orphanet 90652, MedGen C1844696, MONDO:0010571, OMIM 304120.
Melnick-Needles syndrome (MNS). Also called: MELNICK-NEEDLES OSTEODYSPLASTY; OSTEODYSPLASTY OF MELNICK AND NEEDLES; Melnick-Needles Syndrome (FLNA-MNS). Identifiers: Orphanet 2484, MedGen C0025237, MONDO:0010650, OMIM 309350.
Frontometaphyseal dysplasia (FMD1). Identifiers: Orphanet 1826, MedGen C0265293, MONDO:0015942.

Submission:

Labcorp Genetics (formerly Invitae), Labcorp
Classification: Uncertain significance for Oto-palato-digital syndrome, type II; Heterotopia, periventricular, X-linked dominant; Frontometaphyseal dysplasia; Melnick-Needles syndrome. Last evaluated: 2025-01-13. Review status: criteria provided, single submitter. Criteria: Invitae Variant Classification Sherloc (09022015). Collection method: clinical testing. Allele origin: germline.
Comment: This sequence change replaces tryptophan, which is neutral and slightly polar, with glycine, which is neutral and non-polar, at codon 155 of the FLNA protein (p.Trp155Gly). This variant is not present in population databases (gnomAD no frequency). This variant has not been reported in the literature in individuals affected with FLNA-related conditions. ClinVar contains an entry for this variant (Variation ID: 1348460). Invitae Evidence Modeling of protein sequence and biophysical properties (such as structural, functional, and spatial information, amino acid conservation, physicochemical variation, residue mobility, and thermodynamic stability) indicates that this missense variant is expected to disrupt FLNA protein function with a positive predictive value of 80%. In summary, the available evidence is currently insufficient to determine the role of this variant in disease. Therefore, it has been classified as a Variant of Uncertain Significance.